The following is an entry in ClinVar:

NM_005901.6(SMAD2):c.552C>T (p.Thr184=)

Gene: SMAD2 (SMAD family member 2; minus strand). Cytogenetic location: 18q21.1.
Variant type: single nucleotide variant.
Coding change: c.552C>T on transcript NM_005901.6 (MANE Select); coding-DNA position 552, C replaced by T.
Protein change: p.Thr184=; no amino-acid change (threonine 184 retained).
Molecular consequence: synonymous variant.
Genome position (GRCh38, 1-based): chr18:47,868,426, G>A on the plus strand (C>T on the coding strand, the complement: SMAD2 is on the minus strand). VCF-style: chr18-47868426-G-A. GRCh37 (hg19) VCF-style: chr18-45394797-G-A.
Other names: c.552C>T, p.Thr184= (NM_001003652.4); c.462C>T, p.Thr154= (NM_001135937.3).
Identifiers: ClinVar variation 1748128 (VCV001748128.29), dbSNP rs144973052, ClinGen allele CA8956232.

ClinVar aggregate classification (germline): Likely benign. Review status: criteria provided, multiple submitters, no conflicts (2 of 4 stars). 3 submissions from 3 submitters: Likely benign (3). Last evaluated 2025-10-26.

Conditions:
Inborn genetic diseases. Identifiers: MedGen C0950123, MeSH D030342.

Allele frequency attached by ClinVar (database versions not stated): ExAC 0.00003; gnomAD 0.00004; TOPMed 0.00005; ESP Exome Variant Server 0.00023.
gnomAD v4.1: 29 of 1,611,190 alleles (0.0018%); highest among the groups gnomAD compares: African/African-American, 0.0067%; no homozygotes.

Submissions (3):

Labcorp Genetics (formerly Invitae), Labcorp
Classification: Likely benign. Last evaluated: 2025-10-26. Review status: criteria provided, single submitter. Criteria: Invitae Variant Classification Sherloc (09022015). Collection method: clinical testing. Allele origin: germline.

CeGaT Center for Human Genetics Tuebingen
Classification: Likely benign. Last evaluated: 2023-12-01. Review status: criteria provided, single submitter. Criteria: CeGaT Center For Human Genetics Tuebingen Variant Classification Criteria Version 2. Collection method: clinical testing. Allele origin: germline. Affected: yes. Observed: 1 variant allele.
Comment: SMAD2: BP4, BP7

Ambry Genetics
Classification: Likely benign for Inborn genetic diseases. Last evaluated: 2019-12-13. Review status: criteria provided, single submitter. Criteria: Ambry Variant Classification Scheme 2023. Collection method: clinical testing. Allele origin: germline.